The following continues an entry in ClinVar:

NM_000053.4(ATP7B):c.2621C>T (p.Ala874Val)

Gene: ATP7B. ClinVar aggregate classification (germline): Conflicting classifications of pathogenicity. Pathogenic (18); Likely pathogenic (4); Uncertain significance (1).

Submissions 13 to 27 of 27:

Chongqing Key Laboratory of Child Rare Diseases in Infection and Immunity, Children’s Hospital of Chongqing Medical University
Classification: Uncertain significance for Wilson disease. Last evaluated: 2024-01-01. Review status: criteria provided, single submitter. Criteria: ACMG Guidelines, 2015. Collection method: clinical testing. Allele origin: germline. Inheritance: Autosomal recessive inheritance. Affected: yes.
Comment: Classified as Uncertain significance according to the ACMG/AMP 2015 guidelines (PMID:25741868). The classification was based on the available submitted evidence for Wilson disease (OMIM:277900), including clinical-testing observations, variant consequence/protein annotation, and published or ClinVar evidence where available. Supporting information considered: variant annotation: p.Ala874Val; Missense; Protein domain: P-domain-enriched; submitted notation: NM_000053.4:c.2621C>T (p.Ala874Val); source variant type: Missense; source domain: P-domain-enriched; allele count n=230: 6.

Payam Genetics Center, General Welfare Department of North Khorasan Province
Classification: Likely pathogenic for Wilson disease. Last evaluated: 2023-03-01. Review status: criteria provided, single submitter. Criteria: ACMG Guidelines, 2015. Collection method: clinical testing. Allele origin: germline. Affected: no. Observed: 1 variant allele.

AiLife Diagnostics
Classification: Likely pathogenic. Last evaluated: 2022-02-16. Review status: criteria provided, single submitter. Criteria: ACMG Guidelines, 2015. Collection method: clinical testing. Allele origin: germline. Affected: yes. Observed: 1 variant allele.

Provincial Medical Genetics Program of British Columbia, University of British Columbia
Classification: Pathogenic for Wilson disease. Last evaluated: 2022-01-01. Review status: criteria provided, single submitter. Criteria: ACMG Guidelines, 2015. Collection method: clinical testing. Allele origin: paternal. Affected: yes.

Genome-Nilou Lab
Classification: Pathogenic for Wilson disease. Last evaluated: 2021-05-18. Review status: criteria provided, single submitter. Criteria: ACMG Guidelines, 2015. Collection method: clinical testing. Allele origin: germline. Affected: no.

Revvity Omics, Revvity
Classification: Pathogenic for Wilson disease. Last evaluated: 2020-08-05. Review status: criteria provided, single submitter. Criteria: ACMG Guidelines, 2015. Collection method: clinical testing. Allele origin: germline.

Laboratory for Molecular Medicine, Mass General Brigham Personalized Medicine
Classification: Pathogenic for Wilson disease. Last evaluated: 2020-06-11. Review status: criteria provided, single submitter. Criteria: ACMG Guidelines, 2015. Collection method: clinical testing. Allele origin: germline.
Comment: The p.Ala874Val variant in ATP7B has been previously reported in many individuals with Wilson disease, including at least 2 compound heterozygotes and >10 compound heterozygotes, and segregated in at least 1 affected sibling (Chen 2019, Dong 2016, Kusuda 2000, Mihaylova 2012, Park 2009, Takeshita 2002, Tatsumi 2011, Yamaguchi 1998, Yoo 2002). It has been identified in 0.04% (8/17978) of East Asian chromosomes by gnomAD; however, this is low enough to be consistent with a recessive allele frequency. Computational prediction tools and conservation analyses do not provide strong support for or against an impact to the protein. However, an in vitro functional study indicates that this variant results in reduced copper transport activity (Huster 2012). In summary, this variant meets criteria to be classified as pathogenic for autosomal recessive Wilson disease. ACMG/AMP criteria applied: PM3_VeryStrong, PM2_Supporting, PS3_Supporting, PP1, PP4.

GeneDx
Classification: Pathogenic. Last evaluated: 2020-04-09. Review status: criteria provided, single submitter. Criteria: GeneDx Variant Classification Process June 2021. Collection method: clinical testing. Allele origin: germline. Affected: yes.
Comment: Published functional studies using the baculovirus expression system in Sf9 cells showed partial transport activity (Huster et al. 2012); In silico analysis supports that this missense variant has a deleterious effect on protein structure/function; This variant is associated with the following publications: (PMID: 30275481, 31980526, 31743419, 9452121, 30702195, 30655162, 29961769, 11775208, 21707886, 10544227, 12544487, 27398169, 16998622, 22735241, 11043508, 28515472, 16207219, 25704634, 23275100, 22308153, 22484412, 26782526, 19419418, 29381936, 28212618, 26269689, 22692182, 10721669, 22240481, 24253677, 26215059, 25988284, 12376745, 18156766)

Women's Health and Genetics/Laboratory Corporation of America, LabCorp
Classification: Pathogenic for Wilson disease. Last evaluated: 2018-11-16. Review status: criteria provided, single submitter. Criteria: LabCorp Variant Classification Summary - May 2015. Collection method: clinical testing. Allele origin: germline.
Comment: Variant summary: ATP7B c.2621C>T (p.Ala874Val) results in a non-conservative amino acid change in the P-type ATPase, A domain superfamily of the encoded protein sequence. Five of five in-silico tools predict a damaging effect of the variant on protein function. The variant allele was found at a frequency of 6.9e-05 in 246236 control chromosomes (gnomAD). This frequency is not significantly higher than expected for a pathogenic variant in ATP7B causing Wilson Disease (6.9e-05 vs 0.0054), allowing no conclusion about variant significance. The variant, c.2621C>T, has been reported in the literature in multiple individuals affected with Wilson Disease in both compound heterozygotes and homozygotes (Lee_2011, Dong_2016). These data indicate that the variant is very likely to be associated with disease. At least one publication reports experimental evidence evaluating an impact on protein function evaluating copper transport. The most pronounced variant effect results in 10-30% of normal copper transport rate activity (Huster_2012). Three clinical diagnostic laboratories have submitted clinical-significance assessments for this variant to ClinVar after 2014 without evidence for independent evaluation (likely pathogenic x2, VUS x1). Based on the evidence outlined above, the variant was classified as pathogenic.

CeGaT Center for Human Genetics Tuebingen
Classification: Pathogenic. Last evaluated: 2017-08-01. Review status: criteria provided, single submitter. Criteria: CeGaT Center For Human Genetics Tuebingen Variant Classification Criteria Version 2. Collection method: clinical testing. Allele origin: germline. Affected: yes. Observed: 1 variant allele.

Juno Genomics, Hangzhou Juno Genomics, Inc
Classification: Pathogenic for Wilson disease. Review status: criteria provided, single submitter. Criteria: ACMG Guidelines, 2015. Collection method: clinical testing. Allele origin: germline.
Comment: Well-established in vitro or in vivo functional studies supportive of a damaging effect on the gene or gene product.;Absent from controls (or at extremely low frequency if recessive) in Genome Aggregation Database.;For recessive disorders, detected in trans with a pathogenic variant.;Patient's phenotype or family history is highly specific for a disease with a single genetic etiology.

SingHealth Duke-NUS Institute of Precision Medicine
Classification: Likely pathogenic for Wilson disease. Last evaluated: 2017-06-07. Review status: no assertion criteria provided. Collection method: curation. Allele origin: germline. Affected: no. Not counted in ClinVar's aggregate classification.

Counsyl
Classification: Pathogenic for Wilson disease. Last evaluated: 2016-10-28. Review status: no assertion criteria provided. Collection method: clinical testing. Allele origin: unknown. Not counted in ClinVar's aggregate classification.

OMIM
Classification: Pathogenic for WILSON DISEASE. Last evaluated: 2009-04-01. Review status: no assertion criteria provided. Collection method: literature only. Allele origin: germline. Not counted in ClinVar's aggregate classification.

Soonchunhyang University Bucheon Hospital, Soonchunhyang University Medical Center
Classification: Uncertain significance for Wilson disease. Last evaluated: 2016-03-18. Review status: flagged submission. Criteria: ACMG Guidelines, 2015. Collection method: reference population. Allele origin: germline. Observed: 1 variant allele. Not counted in ClinVar's aggregate classification.
ClinVar note: Reason: Outlier claim with insufficient supporting evidence

Literature cited by the submitters: PubMed 10544227 (cited by 4 submitters); PubMed 10721669 (cited by 5 submitters); PubMed 11775208 (cited by Labcorp Genetics (formerly Invitae), Labcorp); PubMed 12376745 (cited by 6 submitters); PubMed 12544487 (cited by 5 submitters); PubMed 16998622 (cited by 4 submitters); PubMed 18156766 (cited by 3 submitters); PubMed 21707886 (cited by 4 submitters); PubMed 22735241 (cited by 5 submitters); PubMed 22240481 (cited by 10 submitters); PubMed 22692182 (cited by 6 submitters); PubMed 23333878 (cited by Natera, Inc.); PubMed 29381936 (cited by 5 submitters); PubMed 23235335 (cited by Natera, Inc.); PubMed 35762218 (cited by Natera, Inc.); PubMed 21219664 (cited by 3billion); PubMed 9452121 (cited by 5 submitters); PubMed 11043508 (cited by 3 submitters); PubMed 21645214 (cited by 3 submitters); PubMed 25988284 (cited by 3 submitters); PubMed 26269689 (cited by 3 submitters); PubMed 27022412 (cited by 5 submitters); PubMed 27398169 (cited by 4 submitters); PubMed 28212618 (cited by 4 submitters); PubMed 30702195 (cited by 4 submitters); PubMed 31743419 (cited by 4 submitters); PubMed 31980526 (cited by 3 submitters); PubMed 33763395 (cited by 3 submitters); PubMed 32281751 (cited by Mayo Clinic Laboratories, Mayo Clinic); PubMed 32911910 (cited by AiLife Diagnostics); PubMed 29961769 (cited by AiLife Diagnostics); PubMed 30655162 (cited by AiLife Diagnostics and Laboratory for Molecular Medicine, Mass General Brigham Personalized Medicine); PubMed 24253677 (cited by AiLife Diagnostics); PubMed 30275481 (cited by AiLife Diagnostics); PubMed 19419418 (cited by 3 submitters).